The following is an entry in ClinVar:

NM_000059.4(BRCA2):c.9116C>G (p.Pro3039Arg)

Gene: BRCA2 (BRCA2 DNA repair associated; plus strand). Cytogenetic location: 13q13.1.
Variant type: single nucleotide variant.
Coding change: c.9116C>G on transcript NM_000059.4 (MANE Select); coding-DNA position 9116, C replaced by G.
Protein change: p.Pro3039Arg; replaces proline 3039 with arginine.
Molecular consequence: missense variant.
Genome position (GRCh38, 1-based): chr13:32,379,912, C>G. VCF-style: chr13-32379912-C-G. GRCh37 (hg19) VCF-style: chr13-32954049-C-G.
Other names: short protein forms P3039R.
Identifiers: ClinVar variation 38213 (VCV000038213.30), dbSNP rs80359167, ClinGen allele CA025987.

ClinVar aggregate classification (germline): Conflicting classifications of pathogenicity. Review status: criteria provided, conflicting classifications (1 of 4 stars). 9 submissions from 9 submitters: Uncertain significance (5); Likely benign (1). 3 of the submissions do not count toward it. Last evaluated 2025-08-31.

Conditions:
Breast and/or ovarian cancer. Identifiers: MedGen CN221562.
Hereditary cancer-predisposing syndrome. Also called: Tumor predisposition; Neoplastic Syndromes, Hereditary; Hereditary neoplastic syndrome; Hereditary Cancer Syndrome. Identifiers: Orphanet 140162, MedGen C0027672, MeSH D009386, MONDO:0015356.
Hereditary breast ovarian cancer syndrome. Also called: Hereditary breast and ovarian cancer; Hereditary breast and ovarian cancer syndrome (HBOC); Hereditary breast and/or ovarian cancer syndrome; Breast and ovarian cancer; Hereditary breast and ovarian cancer syndrome; BRCA1- and BRCA2-Associated Hereditary Breast and Ovarian Cancer. Identifiers: Orphanet 145, MedGen C0677776, MeSH D061325, MONDO:0003582. Disease mechanism: loss of function.
Breast-ovarian cancer, familial, susceptibility to, 2 (BROVCA2). Also called: BRCA2 Hereditary Breast and Ovarian Cancer. Identifiers: Orphanet 145, MedGen C2675520, MONDO:0012933, OMIM 612555. Disease mechanism: loss of function.

Allele frequency attached by ClinVar (database versions not stated): gnomAD 0.00003.
gnomAD v4.1: 4 of 1,613,014 alleles (0.00025%); highest among the groups gnomAD compares: South Asian, 0.0011%; no homozygotes.

Submissions (9):

Labcorp Genetics (formerly Invitae), Labcorp
Classification: Uncertain significance for Hereditary breast ovarian cancer syndrome. Last evaluated: 2025-08-31. Review status: criteria provided, single submitter. Criteria: Invitae Variant Classification Sherloc (09022015). Collection method: clinical testing. Allele origin: germline.
Comment: This sequence change replaces proline, which is neutral and non-polar, with arginine, which is basic and polar, at codon 3039 of the BRCA2 protein (p.Pro3039Arg). This variant is present in population databases (rs80359167, gnomAD 0.002%). This missense change has been observed in individual(s) with clinical features of hereditary breast and/or ovarian cancer (PMID: 29988080). ClinVar contains an entry for this variant (Variation ID: 38213). An algorithm developed to predict the effect of missense changes on protein structure and function (PolyPhen-2) suggests that this variant is likely to be disruptive. Experimental studies are conflicting or provide insufficient evidence to determine the effect of this variant on BRCA2 function (PMID: 29988080). RNA analysis performed to evaluate the impact of this missense change on mRNA splicing indicates it does not significantly alter splicing (internal data). In summary, the available evidence is currently insufficient to determine the role of this variant in disease. Therefore, it has been classified as a Variant of Uncertain Significance.

GeneDx
Classification: Uncertain significance. Last evaluated: 2024-08-25. Review status: criteria provided, single submitter. Criteria: GeneDx Variant Classification Process June 2021. Collection method: clinical testing. Allele origin: germline. Affected: yes.
Comment: Not observed at significant frequency in large population cohorts (gnomAD); In silico analysis indicates that this missense variant does not alter protein structure/function; Published functional studies demonstrate reduced homology directed repair (HDR) compared to wildtype (PMID: 29988080); Also known as 9344C>G; This variant is associated with the following publications: (PMID: 20167696, 29988080, 12228710)

CHEO Genetics Diagnostic Laboratory, Children's Hospital of Eastern Ontario
Classification: Uncertain significance for Breast and/or ovarian cancer. Last evaluated: 2022-10-13. Review status: criteria provided, single submitter. Criteria: ACMG Guidelines, 2015. Collection method: clinical testing. Allele origin: germline.

Ambry Genetics
Classification: Likely benign for Hereditary cancer-predisposing syndrome. Last evaluated: 2021-01-10. Review status: criteria provided, single submitter. Criteria: Ambry Variant Classification Scheme 2023. Collection method: clinical testing. Allele origin: germline.

Quest Diagnostics Nichols Institute San Juan Capistrano
Classification: Uncertain significance. Last evaluated: 2019-07-31. Review status: criteria provided, single submitter. Criteria: Quest Diagnostics criteria. Collection method: clinical testing. Allele origin: germline.

Color Diagnostics, LLC DBA Color Health
Classification: Uncertain significance for Hereditary cancer-predisposing syndrome. Last evaluated: 2019-04-13. Review status: criteria provided, single submitter. Criteria: ACMG Guidelines, 2015. Collection method: clinical testing. Allele origin: germline.

Sharing Clinical Reports Project (SCRP)
Classification: Uncertain significance for Breast-ovarian cancer, familial 2. Last evaluated: 2006-03-15. Review status: no assertion criteria provided. Collection method: clinical testing. Allele origin: germline. Not counted in ClinVar's aggregate classification.

Diagnostic Laboratory, Department of Genetics, University Medical Center Groningen
Classification: Likely benign. Review status: no assertion criteria provided. Collection method: clinical testing. Allele origin: germline. Affected: yes. Study: VKGL Data-share Consensus. Not counted in ClinVar's aggregate classification.

Joint Genome Diagnostic Labs from Nijmegen and Maastricht, Radboudumc and MUMC+
Classification: Likely benign. Review status: no assertion criteria provided. Collection method: clinical testing. Allele origin: germline. Affected: yes. Study: VKGL Data-share Consensus. Not counted in ClinVar's aggregate classification.

Literature cited by the submitters: PubMed 29988080 (cited by 3 submitters).